The following is an entry in ClinVar:

ClinVar aggregate classification (germline): Uncertain significance. Review status: criteria provided, multiple submitters, no conflicts (2 of 4 stars). 2 submissions from 2 submitters: Uncertain significance (2). Last evaluated 2023-11-28.

Allele frequency attached by ClinVar (database versions not stated): ExAC 0.00001; gnomAD 0.00001; TOPMed 0.00002; gnomAD exomes 0.00003.

Submissions (2):

Labcorp Genetics (formerly Invitae), Labcorp
Classification: Uncertain significance. Last evaluated: 2023-11-28. Review status: criteria provided, single submitter. Criteria: Invitae Variant Classification Sherloc (09022015). Collection method: clinical testing. Allele origin: germline.
Comment: This sequence change replaces serine, which is neutral and polar, with cysteine, which is neutral and slightly polar, at codon 137 of the TRAPPC6B protein (p.Ser137Cys). This variant is present in population databases (rs751288725, gnomAD 0.002%). This variant has not been reported in the literature in individuals affected with TRAPPC6B-related conditions. ClinVar contains an entry for this variant (Variation ID: 1918086). An algorithm developed to predict the effect of missense changes on protein structure and function (PolyPhen-2) suggests that this variant is likely to be tolerated. In summary, the available evidence is currently insufficient to determine the role of this variant in disease. Therefore, it has been classified as a Variant of Uncertain Significance.

CeGaT Center for Human Genetics Tuebingen
Classification: Uncertain significance. Last evaluated: 2023-02-01. Review status: criteria provided, single submitter. Criteria: CeGaT Center For Human Genetics Tuebingen Variant Classification Criteria Version 2. Collection method: clinical testing. Allele origin: germline. Affected: yes. Observed: 1 variant allele.
Comment: TRAPPC6B: PM2

NM_001079537.2(TRAPPC6B):c.409A>T (p.Ser137Cys)

Gene: TRAPPC6B (trafficking protein particle complex subunit 6B; minus strand). Cytogenetic location: 14q21.1.
Variant type: single nucleotide variant.
Coding change: c.409A>T on transcript NM_001079537.2 (MANE Select); coding-DNA position 409, A replaced by T.
Protein change: p.Ser137Cys; replaces serine 137 with cysteine.
Molecular consequence: missense variant.
Genome position (GRCh38, 1-based): chr14:39,151,782, T>A on the plus strand (A>T on the coding strand, the complement: TRAPPC6B is on the minus strand). VCF-style: chr14-39151782-T-A. GRCh37 (hg19) VCF-style: chr14-39620986-T-A.
Other names: c.325A>T, p.Ser109Cys (NM_177452.4); short protein forms S109C, S137C.
Identifiers: ClinVar variation 1918086 (VCV001918086.29), dbSNP rs751288725, ClinGen allele CA7162735.